The following is an entry in ClinVar:

ClinVar aggregate classification (germline): Uncertain significance (1 of 4 stars; one submission).

Allele frequency attached by ClinVar (database versions not stated): gnomAD 0.00003; TOPMed 0.00003; gnomAD exomes 0.00004; ExAC 0.00005; ESP Exome Variant Server 0.00008.
gnomAD v4.1: 56 of 1,610,574 alleles (0.0035%); highest among the groups gnomAD compares: Non-Finnish European, 0.0043%; no homozygotes.

Submission:

Labcorp Genetics (formerly Invitae), Labcorp
Classification: Uncertain significance. Last evaluated: 2022-07-31. Review status: criteria provided, single submitter. Criteria: Invitae Variant Classification Sherloc (09022015). Collection method: clinical testing. Allele origin: germline.
Comment: This sequence change falls in intron 6 of the MCM3AP gene. It does not directly change the encoded amino acid sequence of the MCM3AP protein. This variant is present in population databases (rs373054558, gnomAD 0.005%). This variant has not been reported in the literature in individuals affected with MCM3AP-related conditions. Algorithms developed to predict the effect of sequence changes on RNA splicing suggest that this variant may create or strengthen a splice site. In summary, the available evidence is currently insufficient to determine the role of this variant in disease. Therefore, it has been classified as a Variant of Uncertain Significance.

NM_003906.5(MCM3AP):c.1999-16G>A

Gene: MCM3AP (minichromosome maintenance complex component 3 associated protein; minus strand). Cytogenetic location: 21q22.3.
Variant type: single nucleotide variant.
Coding change: c.1999-16G>A on transcript NM_003906.5 (MANE Select); 16 bases into the intron before coding-DNA position 1999, G replaced by A.
Molecular consequence: intron variant.
Genome position (GRCh38, 1-based): chr21:46,273,601, C>T on the plus strand (G>A on the coding strand, the complement: MCM3AP is on the minus strand). VCF-style: chr21-46273601-C-T. GRCh37 (hg19) VCF-style: chr21-47693515-C-T.
Identifiers: ClinVar variation 1909296 (VCV001909296.2), dbSNP rs373054558, ClinGen allele CA10076907.